The following is an entry in ClinVar:

NM_182931.3(KMT2E):c.1130+3A>G

Gene: KMT2E (lysine methyltransferase 2E (inactive); plus strand). Cytogenetic location: 7q22.3.
Variant type: single nucleotide variant.
Coding change: c.1130+3A>G on transcript NM_182931.3 (MANE Select); 3 bases into the intron after coding-DNA position 1130, A replaced by G.
Molecular consequence: intron variant.
Genome position (GRCh38, 1-based): chr7:105,077,436, A>G. VCF-style: chr7-105077436-A-G. GRCh37 (hg19) VCF-style: chr7-104717883-A-G.
Other names: c.1130+3A>G (NM_001410908.1, NM_018682.4).
Identifiers: ClinVar variation 3342297 (VCV003342297.1).
Genomic context (GRCh38, chr7:105,077,436, plus strand): 5'-ACAGAGGGAAGTTTATGCTGAGAGAACAGTTTGAAGCAAATGGGTATTTCTTTAAAAGGT[A>G]TATTCATTTATTTTCCCATGTTCATTTTCTGTAGGTAAATATTGAACTTTTGGCTGTTTT-3'

ClinVar aggregate classification (germline): Uncertain significance (1 of 4 stars; one submission).

Conditions:
O'Donnell-Luria-Rodan syndrome (ODLURO). Also called: KMT2E-Related Neurodevelopmental Disorder. Identifiers: MedGen C5193138, MONDO:0032793, OMIM 618512.

gnomAD v4.1: 1 of 1,594,696 alleles (0.000063%); highest among the groups gnomAD compares: Non-Finnish European, 0.000085%; no homozygotes.

Submission:

MVZ Medizinische Genetik Mainz
Classification: Uncertain significance for O'Donnell-Luria-Rodan syndrome. Last evaluated: 2024-09-11. Review status: criteria provided, single submitter. Criteria: UK Practice Guidelines For Variant Classification V4 01 2020. Collection method: clinical testing. Allele origin: germline. Inheritance: Autosomal dominant inheritance. Affected: yes. Observed: 1 variant allele.
Comment: ACMG Criteria: PS1_MOD,PM2_SUP,PP3